The following is an entry in ClinVar:

ClinVar aggregate classification (germline): Pathogenic. Review status: reviewed by expert panel (3 of 4 stars). 4 submissions from 4 submitters: Pathogenic (1). 3 of the submissions do not count toward it. Last evaluated 2017-12-15.

Conditions:
Hereditary cancer-predisposing syndrome. Also called: Hereditary Cancer Syndrome; Hereditary neoplastic syndrome; Tumor predisposition; Neoplastic Syndromes, Hereditary. Identifiers: Orphanet 140162, MedGen C0027672, MeSH D009386, MONDO:0015356.
Breast-ovarian cancer, familial, susceptibility to, 2 (BROVCA2). Also called: BRCA2 Hereditary Breast and Ovarian Cancer. Identifiers: Orphanet 145, MedGen C2675520, MONDO:0012933, OMIM 612555. Disease mechanism: loss of function.

Submissions (4):

Evidence-based Network for the Interpretation of Germline Mutant Alleles (ENIGMA)
Classification: Pathogenic for Breast-ovarian cancer, familial, susceptibility to, 2. Last evaluated: 2017-12-15. Review status: reviewed by expert panel. Criteria: ENIGMA BRCA1/2 Classification Criteria (2017-06-29). Collection method: curation. Allele origin: germline. Study: ENIGMA.
Comment: Variant allele predicted to encode a truncated non-functional protein.

GeneDx
Classification: Pathogenic. Last evaluated: 2024-07-22. Review status: criteria provided, single submitter. Criteria: GeneDx Variant Classification Process June 2021. Collection method: clinical testing. Allele origin: germline. Affected: yes. Not counted in ClinVar's aggregate classification.
Comment: Frameshift variant predicted to result in protein truncation or nonsense mediated decay in a gene for which loss of function is a known mechanism of disease; Not observed at significant frequency in large population cohorts (gnomAD); Truncating variants in this gene are considered pathogenic by a well-established clinical consortium and/or database; Has not been previously published as pathogenic or benign to our knowledge; Also known as 6264del

Color Diagnostics, LLC DBA Color Health
Classification: Pathogenic for Hereditary cancer-predisposing syndrome. Last evaluated: 2020-05-21. Review status: criteria provided, single submitter. Criteria: ACMG Guidelines, 2015. Collection method: clinical testing. Allele origin: germline. Not counted in ClinVar's aggregate classification.
Comment: This variant deletes 1 nucleotide in exon 11 of the BRCA2 gene, creating a frameshift and premature translation stop signal. This variant is expected to result in an absent or non-functional protein product. To our knowledge, this variant has not been reported in individuals affected with hereditary cancer in the literature. This variant has not been identified in the general population by the Genome Aggregation Database (gnomAD). Loss of BRCA2 function is a known mechanism of disease. Based on the available evidence, this variant is classified as Pathogenic.

Ambry Genetics
Classification: Pathogenic for Hereditary cancer-predisposing syndrome. Last evaluated: 2017-04-19. Review status: criteria provided, single submitter. Criteria: Ambry Variant Classification Scheme 2023. Collection method: clinical testing. Allele origin: germline. Not counted in ClinVar's aggregate classification.
Comment: The c.6036delC pathogenic mutation, located in coding exon 10 of the BRCA2 gene, results from a deletion of one nucleotide at nucleotide position 6036, causing a translational frameshift with a predicted alternate stop codon (p.V2014Yfs*26). This alteration is expected to result in loss of function by premature protein truncation or nonsense-mediated mRNA decay. As such, this alteration is interpreted as a disease-causing mutation.

NM_000059.4(BRCA2):c.6036del (p.Val2014fs)

Gene: BRCA2 (BRCA2 DNA repair associated; plus strand). Cytogenetic location: 13q13.1.
Variant type: Deletion.
Coding change: c.6036del on transcript NM_000059.4 (MANE Select); coding-DNA position 6036, one base deleted (C; older notation c.6036delC).
Protein change: p.Val2014fs; shifts the reading frame from valine 2014.
Molecular consequence: frameshift variant.
Genome position (GRCh38, 1-based): chr13:32,340,391, C deleted; the last of 2 consecutive C bases (chr13:32,340,390-32,340,391); deleting either gives the same sequence. VCF-style (leftmost placement, unchanged base first): chr13-32340389-TC-T. GRCh37 (hg19) VCF-style: chr13-32914526-TC-T.
Other names: c.6036delC (NM_000059.3); short protein forms V2014fs.
Identifiers: ClinVar variation 441327 (VCV000441327.9), dbSNP rs1555284508, ClinGen allele CA658653660.
Genomic context (GRCh38, chr13:32,340,389, plus strand): 5'-TCATTACAAAACGCAAGACAAGTGTTTTCTGAAATAGAAGATAGTACCAAGCAAGTCTTT[TC>T]CAAAGTATTGTTTAAAAGTAACGAACATTCAGACCAGCTCACAAGAGAAGAAAATACTGC-3'